The following is an entry in ClinVar:

ClinVar aggregate classification (germline): Likely benign. Review status: criteria provided, single submitter (1 of 4 stars). 2 submissions from 2 submitters: Likely benign (1). 1 of the submissions does not count toward it. Last evaluated 2023-11-25.

Conditions:
CHARGE syndrome (CHARGE). Also called: Coloboma, heart anomaly, choanal atresia, retardation, genital and ear anomalies; CHARGE association; Hall-Hittner syndrome; Hittner Hirsch Kreh syndrome; CHARGE ASSOCIATION--COLOBOMA, HEART ANOMALY, CHOANAL ATRESIA, RETARDATION, GENITAL AND EAR ANOMALIES. Identifiers: Orphanet 138, MedGen C0265354, MONDO:0008965.
SEMA3E-related disorder. Also called: SEMA3E-related condition.

Allele frequency attached by ClinVar (database versions not stated): gnomAD exomes below 0.00001 and 0.00002; ExAC 0.00002; TOPMed 0.00002; gnomAD 0.00003 and 0.00004.
gnomAD v4.1: 12 of 1,613,800 alleles (0.00074%); highest among the groups gnomAD compares: African/African-American, 0.0013%; no homozygotes.

Submissions (2):

Labcorp Genetics (formerly Invitae), Labcorp
Classification: Likely benign for CHARGE syndrome. Last evaluated: 2023-11-25. Review status: criteria provided, single submitter. Criteria: Invitae Variant Classification Sherloc (09022015). Collection method: clinical testing. Allele origin: germline.

PreventionGenetics, part of Exact Sciences
Classification: Likely benign for SEMA3E-related condition. Last evaluated: 2024-04-30. Review status: no assertion criteria provided. Collection method: clinical testing. Allele origin: germline. Not counted in ClinVar's aggregate classification.
Comment: This variant is classified as likely benign based on ACMG/AMP sequence variant interpretation guidelines (Richards et al. 2015 PMID: 25741868, with internal and published modifications).

NM_012431.3(SEMA3E):c.1239G>A (p.Gln413=)

Gene: SEMA3E (semaphorin 3E; minus strand). Cytogenetic location: 7q21.11.
Variant type: single nucleotide variant.
Coding change: c.1239G>A on transcript NM_012431.3 (MANE Select); coding-DNA position 1239, G replaced by A.
Protein change: p.Gln413=; no amino-acid change (glutamine 413 retained).
Molecular consequence: synonymous variant.
Genome position (GRCh38, 1-based): chr7:83,400,155, C>T on the plus strand (G>A on the coding strand, the complement: SEMA3E is on the minus strand). VCF-style: chr7-83400155-C-T. GRCh37 (hg19) VCF-style: chr7-83029471-C-T.
Other names: c.1059G>A, p.Gln353= (NM_001178129.2); c.1239G>A (NM_012431.2).
Identifiers: ClinVar variation 1669295 (VCV001669295.9), dbSNP rs776317078, ClinGen allele CA4322080.